The following is an entry in ClinVar:

NM_001613.4(ACTA2):c.772C>T (p.Arg258Cys)

Genes: ACTA2 (actin alpha 2, smooth muscle; minus strand), ACTA2-AS1 (ACTA2 antisense RNA 1; plus strand). Cytogenetic location: 10q23.31.
Variant type: single nucleotide variant.
Coding change: c.772C>T on transcript NM_001613.4 (MANE Select); coding-DNA position 772, C replaced by T.
Protein change: p.Arg258Cys; replaces arginine 258 with cysteine.
Molecular consequence: missense variant. On other transcripts: non-coding transcript variant (1).
Genome position (GRCh38, 1-based): chr10:88,939,543, G>A on the plus strand (C>T on the coding strand, the complement: ACTA2 is on the minus strand). VCF-style: chr10-88939543-G-A. GRCh37 (hg19) VCF-style: chr10-90699300-G-A.
Other names: c.772C>T, p.Arg258Cys (NM_001141945.3, NM_001320855.2, NM_001406462.1 and 2 more transcripts); c.661C>T, p.Arg221Cys (NM_001406466.1); c.643C>T, p.Arg215Cys (NM_001406467.1, NM_001406468.1, NM_001406469.1); short protein forms R258C, R221C, R215C.
Identifiers: ClinVar variation 18278 (VCV000018278.28), dbSNP rs121434528, ClinGen allele CA007017.
Genomic context (GRCh38, chr10:88,939,543, plus strand): 5'-AGGAAAAGGGCGTTTGTTGCCTACCGATGAAGGATGGCTGGAACAGGGTCTCTGGGCAGC[G>A]GAAACGTTCATTTCCGATGGTGATCACTTGCCCATCAGGCAACTCGTAACTCTTCTCAAG-3'
Protein context (NP_001604.1, residues 248-268): QVITIGNERF[Arg258Cys]CPETLFQPSF

ClinVar aggregate classification (germline): Pathogenic. Review status: criteria provided, multiple submitters, no conflicts (2 of 4 stars). 9 submissions from 8 submitters: Pathogenic (7). 2 of the submissions do not count toward it. Last evaluated 2025-12-19.

Conditions:
Familial thoracic aortic aneurysm and aortic dissection (TAAD). Also called: Thoracic aortic aneurysms and dissections. Identifiers: Orphanet 91387, MedGen C4707243, MONDO:0019625.
Moyamoya disease 5 (MYMY5). Identifiers: Orphanet 2573, MedGen C3279690, MONDO:0013542, OMIM 614042.
Aortic aneurysm, familial thoracic 6 (AAT6). Also called: FAMILIAL THORACIC AORTIC ANEURYSM WITH LIVEDO RETICULARIS AND IRIS FLOCCULI. Identifiers: MedGen C2673186, MONDO:0012730, OMIM 611788.

Allele frequency attached by ClinVar (database versions not stated): gnomAD exomes below 0.00001; gnomAD 0.00001.
gnomAD v4.1: 2 of 1,613,792 alleles (0.00012%); highest among the groups gnomAD compares: Non-Finnish European, 0.00017%; no homozygotes.

Submissions 1 to 5 of 9:

Labcorp Genetics (formerly Invitae), Labcorp
Classification: Pathogenic for Aortic aneurysm, familial thoracic 6. Last evaluated: 2025-12-19. Review status: criteria provided, single submitter. Criteria: Invitae Variant Classification Sherloc (09022015). Collection method: clinical testing. Allele origin: germline.
Comment: This sequence change replaces arginine, which is basic and polar, with cysteine, which is neutral and slightly polar, at codon 258 of the ACTA2 protein (p.Arg258Cys). This variant is present in population databases (rs121434528, gnomAD 0.007%). This missense change has been observed in individual(s) with nonsyndromic heritable thoracic aortic disorder and thoracic aortic aneurysms and patent ductus arteriosus (PMID: 17994018, 19409525, 25644172). In at least one individual the variant was observed to be de novo. It has also been observed to segregate with disease in related individuals. ClinVar contains an entry for this variant (Variation ID: 18278). Invitae Evidence Modeling of protein sequence and biophysical properties (such as structural, functional, and spatial information, amino acid conservation, physicochemical variation, residue mobility, and thermodynamic stability) indicates that this missense variant is not expected to disrupt ACTA2 protein function with a negative predictive value of 80%. Experimental studies have shown that this missense change affects ACTA2 function (PMID: 26153420). For these reasons, this variant has been classified as Pathogenic.

Victorian Clinical Genetics Services, Murdoch Childrens Research Institute
Classification: Pathogenic for Aortic aneurysm, familial thoracic 6. Last evaluated: 2024-09-20. Review status: criteria provided, single submitter. Criteria: ACMG Guidelines, 2015. Collection method: clinical testing. Allele origin: germline. Inheritance: Autosomal dominant inheritance. Affected: yes.
Comment: Based on the classification scheme VCGS_Germline_v1.3.4, this variant is classified as Pathogenic. Following criteria are met: 0104 - Dominant negative is a known mechanism of disease in this gene and is associated with familial thoracic aortic aneurysm 6 (MIM#611788), Moyamoya disease 5 (MIM#614042) and multisystemic smooth muscle dysfunction syndrome (MIM#613834) (PMID: 27551047, 28652363). (I) 0107 - This gene is associated with autosomal dominant disease. (I) 0200 - Variant is predicted to result in a missense amino acid change from arginine to cysteine. (I) 0251 - This variant is heterozygous. (I) 0302 - Variant is present in gnomAD (v2) <0.001 for a dominant condition (1 heterozygote, 0 homozygote). (SP) 0501 - Missense variant consistently predicted to be damaging by multiple in silico tools or highly conserved with a major amino acid change. (SP) 0600 - Variant is located in the annotated Actin domain (DECIPHER). (I) 0801 - This variant has very strong previous evidence of pathogenicity in unrelated individuals. This variant has been identified in at least 10 unrelated individuals with thoracic aortic disorders and has been classified as pathogenic (ClinVar, PMID:33513575, PMID:19409525, PMID:25644172, PMID:36053285). (SP) 1208 - Inheritance information for this variant is not currently available in this individual. (I) Legend: (SP) - Supporting pathogenic, (I) - Information, (SB) - Supporting benign

Color Diagnostics, LLC DBA Color Health
Classification: Pathogenic for Familial thoracic aortic aneurysm and aortic dissection. Last evaluated: 2024-09-10. Review status: criteria provided, single submitter. Criteria: ACMG Guidelines, 2015. Collection method: clinical testing. Allele origin: germline.
Comment: This missense variant replaces arginine with cysteine at codon 258 of the ACTA2 protein. Computational prediction tools indicate that this variant has a deleterious impact on protein structure and function. An in vitro functional study has shown that this variant may decrease contractile function by altering interactions with myosin and tropomyosin (PMID: 26153420). Another functional study using dermal fibroblasts derived from carrier individuals has shown that this variant suppresses myofibroblast migration and contraction (PMID: 28652363). This variant has been reported in multiple unrelated individuals affected with thoracic aortic aneurysm and aortic dissection (PMID: 17994018, 19409525, 25644172, 25759435, 28652363, 30341550, 33513575, 36053285). It has been shown that this variant segregates with disease, including features of premature stroke and patent ductus arteriosus, in multiple affected individuals across two families (PMID: 17994018, 19409525). In one instance, this variant has been reported to occur as a de novo event (PMID: 33513575). This variant has been identified in 1/31384 chromosomes in the general population by the Genome Aggregation Database (gnomAD). A different variant affecting the same codon, p.Arg258His, is considered to be disease-causing (ClinVar variation ID: 18277), suggesting that arginine at this position is important for ACTA2 protein function. Based on the available evidence, this variant is classified as Pathogenic.

GeneDx
Classification: Pathogenic. Last evaluated: 2024-07-18. Review status: criteria provided, single submitter. Criteria: GeneDx Variant Classification Process June 2021. Collection method: clinical testing. Allele origin: germline. Affected: yes.
Comment: Reported in association with premature stroke, PDA and TAAD in multiple unrelated probands and families (PMID: 25644172, 19409525, 25759435); Published functional studies demonstrate a damaging effect as this variant disrupts actin dynamics and leads to contractile dysfunction (PMID: 26153420, 28652363); Not observed at significant frequency in large population cohorts (gnomAD); In silico analysis supports that this missense variant has a deleterious effect on protein structure/function; This variant is associated with the following publications: (PMID: 17994018, 33513575, 26934405, 27879251, 28652363, 30341550, 30300893, 28848449, 25759435, 36053285, 34498425, 35567597, 37587538, 32814715, 33990081, 34546411, 34600884, 30880160, 36194209, 32464348, 32997990, 33776470, 34062765, 25644172, 26153420, PetrovI2022[Article], 19409525)

All of Us Research Program, National Institutes of Health
Classification: Pathogenic for Familial thoracic aortic aneurysm and aortic dissection. Last evaluated: 2024-06-07. Review status: criteria provided, single submitter. Criteria: ACMG Guidelines, 2015. Collection method: clinical testing. Allele origin: germline. Inheritance: Autosomal dominant inheritance. Observed: 1 variant allele, 1 heterozygote.
Comment: The c.772C>T (p.Arg258Cys) variant of the ACTA2 gene replaces arginine with cysteine at codon 258. This sequence change has been reported in multiple individuals with thoracic aortic aneurysms and dissections (PMID 19409525, 25644172, 28652363, 33513575, 37042257, 36053285). This variant shows segregation within family members with incomplete penetrance (17994018). A confirmed de novo occurrence of this variant has been reported (PMID: 19409525). Experimental analysis of this variant in patient-specific smooth muscle cells demonstrated a detrimental impact on protein stability and contractile function (PMID 26153420). A detrimental impact on cytoskeletal functions using patient-specific fibroblasts has also been reported (PMID 28652363). Computational evidence suggests this variant is detrimental to ACTA2 protein function (REVEL score 0.932). The frequency of this variant in the general population database (gnomAD) is rare (0. 0.003%). Another variant disrupting the same amino acid has been interpreted as pathogenic (ClinVar ID: 18277). Clinvar contains an entry for this variant (Variation ID: 18278). Based on the available evidence, the c.772C>T (p.Arg258Cys) variant of the ACTA2 gene is classified as pathogenic.

This study involves interpretation of variants in research participants for the purpose of population health screening. Participant phenotype was not available at the time of variant classification. Additional details can be found in publication PMID: 35346344, PMCID: PMC8962531